The following is an entry in ClinVar:

GRCh37/hg19 2q37.3(chr2:241810850-243048760)x3

Genes: BOK (BCL2 family apoptosis regulator BOK; plus strand), D2HGDH (D-2-hydroxyglutarate dehydrogenase; plus strand), DTYMK (deoxythymidylate kinase; minus strand), FARP2 (FERM, ARH/RhoGEF and pleckstrin domain protein 2; plus strand), GAL3ST2 (galactose-3-O-sulfotransferase 2; plus strand) and 16 more. Cytogenetic location: 2q37.3.
Variant type: copy number gain.
Change: copy number 3 (three copies instead of two) of chr2:241,810,850-243,048,760 (1.24 Mb, GRCh37 coordinates, 1-based), cytogenetic band 2q37.3.
Identifiers: ClinVar variation 929352 (VCV000929352.2).

ClinVar aggregate classification (germline): Uncertain significance (1 of 4 stars; one submission).

Submission:

Clinical Genomics Laboratory, Laboratory for Precision Diagnostics, University of Washington
Classification: Uncertain significance. Last evaluated: 2019-12-06. Review status: criteria provided, single submitter. Criteria: Clinical Cytogenomics Laboratory Policy on CNV Interpretation. Collection method: clinical testing. Allele origin: maternal. Affected: yes. Observed: 1 variant allele.